The following is an entry in ClinVar:

NM_006231.4(POLE):c.2551G>T (p.Glu851Ter)

Gene: POLE (DNA polymerase epsilon, catalytic subunit; minus strand). Cytogenetic location: 12q24.33.
Variant type: single nucleotide variant.
Coding change: c.2551G>T on transcript NM_006231.4 (MANE Select); coding-DNA position 2551, G replaced by T.
Protein change: p.Glu851Ter; replaces glutamic acid 851 with a stop codon.
Molecular consequence: nonsense.
Genome position (GRCh38, 1-based): chr12:132,664,380, C>A on the plus strand (G>T on the coding strand, the complement: POLE is on the minus strand). VCF-style: chr12-132664380-C-A. GRCh37 (hg19) VCF-style: chr12-133240966-C-A.
Other names: short protein forms E851*.
Identifiers: ClinVar variation 644383 (VCV000644383.8), dbSNP rs903152944, ClinGen allele CA387396194.

ClinVar aggregate classification (germline): Pathogenic (1 of 4 stars; one submission).

Submission:

Labcorp Genetics (formerly Invitae), Labcorp
Classification: Pathogenic. Last evaluated: 2025-07-28. Review status: criteria provided, single submitter. Criteria: Invitae Variant Classification Sherloc (09022015). Collection method: clinical testing. Allele origin: germline.
Comment: This sequence change creates a premature translational stop signal (p.Glu851*) in the POLE gene. It is expected to result in an absent or disrupted protein product. Loss-of-function variants in POLE are known to be pathogenic (PMID: 23230001, 25948378, 30503519). This variant is not present in population databases (gnomAD no frequency). This variant has not been reported in the literature in individuals affected with POLE-related conditions. ClinVar contains an entry for this variant (Variation ID: 644383). For these reasons, this variant has been classified as Pathogenic.

Literature cited by the submitters: PubMed 23230001; PubMed 25948378; PubMed 30503519.